The following is an entry in ClinVar:

ClinVar aggregate classification (germline): Uncertain significance (1 of 4 stars; one submission).

Conditions:
Insulin-dependent diabetes mellitus secretory diarrhea syndrome (IPEX). Also called: Immunodysregulation, polyendocrinopathy, and enteropathy, X-linked; Immune dysregulation-polyendocrinopathy-enteropathy-X-linked syndrome; Immunodeficiency, Polyendocrinopathy, and Enteropathy X-Linked Syndrome; X-Linked Syndrome of Polyendocrinopathy, Immune Dysfunction, and Diarrhea; IPEX and IPEX-Like; DIABETES MELLITUS, CONGENITAL INSULIN-DEPENDENT, WITH FATAL SECRETORY DIARRHEA. Identifiers: Orphanet 37042, MedGen C0342288, MONDO:0010580, OMIM 304790. Disease mechanism: loss of function.

gnomAD v4.1: 2 of 1,210,007 alleles (0.00017%); highest among the groups gnomAD compares: Middle Eastern, 0.023%; no homozygotes.

Submission:

Labcorp Genetics (formerly Invitae), Labcorp
Classification: Uncertain significance for Insulin-dependent diabetes mellitus secretory diarrhea syndrome. Last evaluated: 2024-02-08. Review status: criteria provided, single submitter. Criteria: Invitae Variant Classification Sherloc (09022015). Collection method: clinical testing. Allele origin: germline.
Comment: This sequence change replaces methionine, which is neutral and non-polar, with threonine, which is neutral and polar, at codon 336 of the FOXP3 protein (p.Met336Thr). This variant is not present in population databases (gnomAD no frequency). This variant has not been reported in the literature in individuals affected with FOXP3-related conditions. Advanced modeling of protein sequence and biophysical properties (such as structural, functional, and spatial information, amino acid conservation, physicochemical variation, residue mobility, and thermodynamic stability) performed at Invitae indicates that this missense variant is not expected to disrupt FOXP3 protein function with a negative predictive value of 80%. In summary, the available evidence is currently insufficient to determine the role of this variant in disease. Therefore, it has been classified as a Variant of Uncertain Significance.

NM_014009.4(FOXP3):c.1007T>C (p.Met336Thr)

Gene: FOXP3 (forkhead box P3; minus strand). Cytogenetic location: Xp11.23.
Variant type: single nucleotide variant.
Coding change: c.1007T>C on transcript NM_014009.4 (MANE Select); coding-DNA position 1007, T replaced by C.
Protein change: p.Met336Thr; replaces methionine 336 with threonine.
Molecular consequence: missense variant.
Genome position (GRCh38, 1-based): chrX:49,253,163, A>G on the plus strand (T>C on the coding strand, the complement: FOXP3 is on the minus strand). VCF-style: chrX-49253163-A-G. GRCh37 (hg19) VCF-style: chrX-49109624-A-G.
Other names: c.902T>C, p.Met301Thr (NM_001114377.2); short protein forms M301T, M336T.
Identifiers: ClinVar variation 3626095 (VCV003626095.2).